The following is an entry in ClinVar:

ClinVar aggregate classification (germline): Uncertain significance (1 of 4 stars; one submission).

Conditions:
PLXNA3-related disorder. Also called: PLXNA3-related condition.

Submission:

PreventionGenetics, part of Exact Sciences
Classification: Uncertain significance for PLXNA3-related condition. Last evaluated: 2025-12-08. Review status: criteria provided, single submitter. Criteria: ACMG Guidelines, 2015. Collection method: clinical testing. Allele origin: germline.
Comment: The PLXNA3 c.289A>G variant is predicted to result in the amino acid substitution p.Asn97Asp. To our knowledge, this variant has not been reported in the literature. This variant is reported in 0.0037% of alleles in individuals of Latino descent in gnomAD. At this time, the clinical significance of this variant is uncertain due to the absence of conclusive functional and genetic evidence.

NM_017514.5(PLXNA3):c.289A>G (p.Asn97Asp)

Gene: PLXNA3 (plexin A3; plus strand). Cytogenetic location: Xq28.
Variant type: single nucleotide variant.
Coding change: c.289A>G on transcript NM_017514.5 (MANE Select); coding-DNA position 289, A replaced by G.
Protein change: p.Asn97Asp; replaces asparagine 97 with aspartic acid.
Molecular consequence: missense variant.
Genome position (GRCh38, 1-based): chrX:154,460,472, A>G. VCF-style: chrX-154460472-A-G. GRCh37 (hg19) VCF-style: chrX-153688812-A-G.
Other names: short protein forms N97D.
Identifiers: ClinVar variation 4985783 (VCV004985783.1).